The following is an entry in ClinVar:

ClinVar aggregate classification (germline): Pathogenic (1 of 4 stars; one submission).

Conditions:
Cranioectodermal dysplasia 1 (CED1). Also called: LEVIN SYNDROME I. Identifiers: Orphanet 1515, MedGen C0432235, MONDO:0021093, OMIM 218330.

Submission:

Labcorp Genetics (formerly Invitae), Labcorp
Classification: Pathogenic for Cranioectodermal dysplasia 1. Last evaluated: 2025-04-11. Review status: criteria provided, single submitter. Criteria: Invitae Variant Classification Sherloc (09022015). Collection method: clinical testing. Allele origin: germline.
Comment: This sequence change creates a premature translational stop signal (p.Gln400*) in the IFT122 gene. It is expected to result in an absent or disrupted protein product. Loss-of-function variants in IFT122 are known to be pathogenic (PMID: 20493458, 23826986, 26792575). This variant is not present in population databases (gnomAD no frequency). This variant has not been reported in the literature in individuals affected with IFT122-related conditions. For these reasons, this variant has been classified as Pathogenic.

Literature cited by the submitters: PubMed 20493458; PubMed 23826986; PubMed 26792575.

NM_052989.3(IFT122):c.1045C>T (p.Gln349Ter)

Gene: IFT122 (intraflagellar transport 122; plus strand). Cytogenetic location: 3q21.3.
Variant type: single nucleotide variant.
Coding change: c.1045C>T on transcript NM_052989.3 (MANE Select); coding-DNA position 1045, C replaced by T.
Protein change: p.Gln349Ter; replaces glutamine 349 with a stop codon.
Molecular consequence: nonsense.
Genome position (GRCh38, 1-based): chr3:129,476,699, C>T. VCF-style: chr3-129476699-C-T. GRCh37 (hg19) VCF-style: chr3-129195542-C-T.
Other names: c.1021C>T, p.Gln341Ter (NM_001280541.2); c.595C>T, p.Gln199Ter (NM_001280545.2); c.418C>T, p.Gln140Ter (NM_001280546.2); c.1045C>T, p.Gln349Ter (NM_001410808.1, NM_001410809.1); c.868C>T, p.Gln290Ter (NM_001410810.1, NM_001410811.1, NM_001410813.1 and 1 more transcripts); c.712C>T, p.Gln238Ter (NM_001410815.1, NM_001410817.1, NM_001438041.1 and 1 more transcripts); c.889C>T, p.Gln297Ter (NM_001438637.1, NM_001438638.1, NM_001438639.1 and 1 more transcripts); c.1198C>T, p.Gln400Ter (NM_052985.4); short protein forms Q140*, Q238*, Q341*, Q349*, Q400*, Q199*, Q290*, Q297*.
Identifiers: ClinVar variation 4720828 (VCV004720828.1).